The following is an entry in ClinVar:

ClinVar aggregate classification (germline): Uncertain significance. Review status: criteria provided, multiple submitters, no conflicts (2 of 4 stars). 3 submissions from 3 submitters: Uncertain significance (3). Last evaluated 2025-02-12.

Conditions:
Multiple congenital anomalies-hypotonia-seizures syndrome 3 (MCAHS3). Also called: GLYCOSYLPHOSPHATIDYLINOSITOL BIOSYNTHESIS DEFECT 7. Identifiers: Orphanet 369837, MedGen C3809356, MONDO:0014165, OMIM 615398.
Inborn genetic diseases. Identifiers: MedGen C0950123, MeSH D030342.

Allele frequency attached by ClinVar (database versions not stated): gnomAD 0.00001; gnomAD exomes 0.00001; TOPMed 0.00003.

Submissions (3):

Ambry Genetics
Classification: Uncertain significance for Inborn genetic diseases. Last evaluated: 2025-02-12. Review status: criteria provided, single submitter. Criteria: Ambry Variant Classification Scheme 2023. Collection method: clinical testing. Allele origin: germline.

Labcorp Genetics (formerly Invitae), Labcorp
Classification: Uncertain significance for Multiple congenital anomalies-hypotonia-seizures syndrome 3. Last evaluated: 2024-10-26. Review status: criteria provided, single submitter. Criteria: Invitae Variant Classification Sherloc (09022015). Collection method: clinical testing. Allele origin: germline.
Comment: This sequence change replaces arginine, which is basic and polar, with tryptophan, which is neutral and slightly polar, at codon 564 of the PIGT protein (p.Arg564Trp). This variant is present in population databases (rs752874517, gnomAD 0.003%). This variant has not been reported in the literature in individuals affected with PIGT-related conditions. ClinVar contains an entry for this variant (Variation ID: 1331232). Invitae Evidence Modeling of protein sequence and biophysical properties (such as structural, functional, and spatial information, amino acid conservation, physicochemical variation, residue mobility, and thermodynamic stability) indicates that this missense variant is not expected to disrupt PIGT protein function with a negative predictive value of 95%. In summary, the available evidence is currently insufficient to determine the role of this variant in disease. Therefore, it has been classified as a Variant of Uncertain Significance.

GeneDx
Classification: Uncertain significance. Last evaluated: 2021-06-28. Review status: criteria provided, single submitter. Criteria: GeneDx Variant Classification Process June 2021. Collection method: clinical testing. Allele origin: germline. Affected: yes.
Comment: Not observed at significant frequency in large population cohorts (Lek et al., 2016); In silico analysis supports that this missense variant has a deleterious effect on protein structure/function; Has not been previously published as pathogenic or benign to our knowledge; This variant is associated with the following publications: (PMID: 27535533)

NM_015937.6(PIGT):c.1690C>T (p.Arg564Trp)

Gene: PIGT (phosphatidylinositol glycan anchor biosynthesis class T; plus strand). Cytogenetic location: 20q13.12.
Variant type: single nucleotide variant.
Coding change: c.1690C>T on transcript NM_015937.6 (MANE Select); coding-DNA position 1690, C replaced by T.
Protein change: p.Arg564Trp; replaces arginine 564 with tryptophan.
Molecular consequence: missense variant. On other transcripts: non-coding transcript variant (5).
Genome position (GRCh38, 1-based): chr20:45,425,779, C>T. VCF-style: chr20-45425779-C-T. GRCh37 (hg19) VCF-style: chr20-44054419-C-T.
Other names: c.1522C>T, p.Arg508Trp (NM_001184728.3); c.1489C>T, p.Arg497Trp (NM_001184729.3); c.1384C>T, p.Arg462Trp (NM_001184730.3); c.1690C>T (NM_015937.4); short protein forms R462W, R497W, R508W, R564W.
Identifiers: ClinVar variation 1331232 (VCV001331232.10), dbSNP rs752874517, ClinGen allele CA9878357.
Genomic context (GRCh38, chr20:45,425,779, plus strand): 5'-TACAATCTCCTCACCCGAACCTTCCACATCGAGGAGCCCCGCACAGGTGGCCTGGCCAAG[C>T]GGCTGGCCAACCTTATCCGGCGCGCCCGAGGTGTCCCCCCACTCTGATTCTTGCCCTTTC-3'
Protein context (NP_057021.2, residues 554-574): EEPRTGGLAK[Arg564Trp]LANLIRRARG